The following is an entry in ClinVar:

ClinVar aggregate classification (germline): Conflicting classifications of pathogenicity. Review status: criteria provided, conflicting classifications (1 of 4 stars). 3 submissions from 3 submitters: Uncertain significance (2); Likely benign (1). Last evaluated 2025-10-29.

Conditions:
Hereditary breast ovarian cancer syndrome. Also called: Breast and ovarian cancer; Hereditary breast and ovarian cancer syndrome (HBOC); Hereditary breast and/or ovarian cancer syndrome; Hereditary breast and ovarian cancer; Hereditary breast and ovarian cancer syndrome; BRCA1- and BRCA2-Associated Hereditary Breast and Ovarian Cancer. Identifiers: Orphanet 145, MedGen C0677776, MeSH D061325, MONDO:0003582. Disease mechanism: loss of function.
Breast-ovarian cancer, familial, susceptibility to, 2 (BROVCA2). Also called: BRCA2 Hereditary Breast and Ovarian Cancer. Identifiers: Orphanet 145, MedGen C2675520, MONDO:0012933, OMIM 612555. Disease mechanism: loss of function.
Hereditary cancer-predisposing syndrome. Also called: Hereditary neoplastic syndrome; Tumor predisposition; Neoplastic Syndromes, Hereditary; Hereditary Cancer Syndrome. Identifiers: Orphanet 140162, MedGen C0027672, MeSH D009386, MONDO:0015356.

Allele frequency attached by ClinVar (database versions not stated): gnomAD exomes below 0.00001 and 0.00001.
gnomAD v4.1: 7 of 1,614,010 alleles (0.00043%); highest among the groups gnomAD compares: Non-Finnish European, 0.00059%; no homozygotes.

Submissions (3):

Ambry Genetics
Classification: Likely benign for Hereditary cancer-predisposing syndrome. Last evaluated: 2025-10-29. Review status: criteria provided, single submitter. Criteria: Ambry Variant Classification Scheme 2023. Collection method: clinical testing. Allele origin: germline.

All of Us Research Program, National Institutes of Health
Classification: Uncertain significance for Breast-ovarian cancer, familial, susceptibility to, 2. Last evaluated: 2023-06-26. Review status: criteria provided, single submitter. Criteria: ACMG Guidelines, 2015. Collection method: clinical testing. Allele origin: germline. Inheritance: Autosomal dominant inheritance. Observed: 1 variant allele, 1 heterozygote.
Comment: This missense variant replaces methionine with threonine at codon 2831 of the BRCA2 protein. Computational prediction suggests that this variant may not impact protein structure and function (internally defined REVEL score threshold <= 0.5, PMID: 27666373). To our knowledge, functional studies have not been reported for this variant. This variant has not been reported in individuals affected with BRCA2-related disorders in the literature. This variant has been identified in 2/251172 chromosomes in the general population by the Genome Aggregation Database (gnomAD). The available evidence is insufficient to determine the role of this variant in disease conclusively. Therefore, this variant is classified as a Variant of Uncertain Significance.

This study involves interpretation of variants in research participants for the purpose of population health screening. Participant phenotype was not available at the time of variant classification. Additional details can be found in publication PMID: 35346344, PMCID: PMC8962531

Labcorp Genetics (formerly Invitae), Labcorp
Classification: Uncertain significance for Hereditary breast ovarian cancer syndrome. Last evaluated: 2019-08-18. Review status: criteria provided, single submitter. Criteria: Invitae Variant Classification Sherloc (09022015). Collection method: clinical testing. Allele origin: germline.
Comment: In summary, the available evidence is currently insufficient to determine the role of this variant in disease. Therefore, it has been classified as a Variant of Uncertain Significance. Algorithms developed to predict the effect of missense changes on protein structure and function (SIFT, PolyPhen-2, Align-GVGD) all suggest that this variant is likely to be disruptive, but these predictions have not been confirmed by published functional studies and their clinical significance is uncertain. This variant has not been reported in the literature in individuals with BRCA2-related conditions. This variant is not present in population databases (ExAC no frequency). This sequence change replaces methionine with threonine at codon 2831 of the BRCA2 protein (p.Met2831Thr). The methionine residue is highly conserved and there is a moderate physicochemical difference between methionine and threonine.

NM_000059.4(BRCA2):c.8492T>C (p.Met2831Thr)

Gene: BRCA2 (BRCA2 DNA repair associated; plus strand). Cytogenetic location: 13q13.1.
Variant type: single nucleotide variant.
Coding change: c.8492T>C on transcript NM_000059.4 (MANE Select); coding-DNA position 8492, T replaced by C.
Protein change: p.Met2831Thr; replaces methionine 2831 with threonine.
Molecular consequence: missense variant.
Genome position (GRCh38, 1-based): chr13:32,370,960, T>C. VCF-style: chr13-32370960-T-C. GRCh37 (hg19) VCF-style: chr13-32945097-T-C.
Other names: short protein forms M2831T.
Identifiers: ClinVar variation 961156 (VCV000961156.12), dbSNP rs1384628074, ClinGen allele CA387752665.